The following is an entry in ClinVar:

NM_032737.4(LMNB2):c.1204C>T (p.Leu402=)

Gene: LMNB2 (lamin B2; minus strand). Cytogenetic location: 19p13.3.
Variant type: single nucleotide variant.
Coding change: c.1204C>T on transcript NM_032737.4 (MANE Select); coding-DNA position 1204, C replaced by T.
Protein change: p.Leu402=; no amino-acid change (leucine 402 retained).
Molecular consequence: synonymous variant.
Genome position (GRCh38, 1-based): chr19:2,434,104, G>A on the plus strand (C>T on the coding strand, the complement: LMNB2 is on the minus strand). VCF-style: chr19-2434104-G-A. GRCh37 (hg19) VCF-style: chr19-2434102-G-A.
Other names: c.1204C>T (NM_032737.3).
Identifiers: ClinVar variation 1429753 (VCV001429753.7), dbSNP rs1368043767, ClinGen allele CA505148941.

ClinVar aggregate classification (germline): Likely benign. Review status: criteria provided, multiple submitters, no conflicts (2 of 4 stars). 2 submissions from 2 submitters: Likely benign (2). Last evaluated 2025-01-07.

Conditions:
LMNB2-related disorder. Also called: LMNB2-related condition.
Lipodystrophy, partial, acquired, susceptibility to (APLD). Also called: APLD, SUSCEPTIBILITY TO. Identifiers: MedGen C3887501, MONDO:0100476, OMIM 608709.
Progressive myoclonic epilepsy type 9. Identifiers: Orphanet 457265, MedGen C4225289, MONDO:0014685, OMIM 616540.

Allele frequency attached by ClinVar (database versions not stated): gnomAD exomes below 0.00001; gnomAD 0.00001; TOPMed 0.00002.
gnomAD v4.1: 2 of 1,583,718 alleles (0.00013%); highest among the groups gnomAD compares: Non-Finnish European, 0.00017%; no homozygotes.

Submissions (2):

PreventionGenetics, part of Exact Sciences
Classification: Likely benign for LMNB2-related condition. Last evaluated: 2025-01-07. Review status: criteria provided, single submitter. Criteria: ACMG Guidelines, 2015. Collection method: clinical testing. Allele origin: germline.
Comment: This variant is classified as likely benign based on ACMG/AMP sequence variant interpretation guidelines (Richards et al. 2015 PMID: 25741868, with internal and published modifications).

Labcorp Genetics (formerly Invitae), Labcorp
Classification: Likely benign for Progressive myoclonic epilepsy type 9; Lipodystrophy, partial, acquired, susceptibility to. Last evaluated: 2023-11-27. Review status: criteria provided, single submitter. Criteria: Invitae Variant Classification Sherloc (09022015). Collection method: clinical testing. Allele origin: germline.